The following is an entry in ClinVar:

NM_001242896.3(DEPDC5):c.1082-3T>A

Gene: DEPDC5 (DEP domain containing 5, GATOR1 subcomplex subunit; plus strand). Cytogenetic location: 22q12.3.
Variant type: single nucleotide variant.
Coding change: c.1082-3T>A on transcript NM_001242896.3 (MANE Select); 3 bases into the intron before coding-DNA position 1082, T replaced by A.
Molecular consequence: intron variant.
Genome position (GRCh38, 1-based): chr22:31,804,159, T>A. VCF-style: chr22-31804159-T-A. GRCh37 (hg19) VCF-style: chr22-32200145-T-A.
Other names: c.1082-3T>A (NM_001364318.2, NM_001136029.4, NM_014662.6 and 7 more transcripts); c.998-3T>A (NM_001369902.1, NM_001369901.1).
Identifiers: ClinVar variation 849478 (VCV000849478.38), dbSNP rs780547994, ClinGen allele CA10196233.

ClinVar aggregate classification (germline): Conflicting classifications of pathogenicity. Review status: criteria provided, conflicting classifications (1 of 4 stars). 3 submissions from 3 submitters: Uncertain significance (1); Benign (1); Likely benign (1). Last evaluated 2025-11-02.

Conditions:
Familial focal epilepsy with variable foci (FPEVF). Identifiers: Orphanet 98820, MedGen C1858477, MONDO:0020310.
Intellectual disability. Also called: intellectual disabilities; Intellectual developmental disorder; Intellectual functioning disability. Identifiers: MedGen C3714756, MeSH D008607, MONDO:0001071, HP:0001249.

Allele frequency attached by ClinVar (database versions not stated): ExAC 0.00001; gnomAD exomes 0.00002 and 0.00003; TOPMed 0.00004; gnomAD 0.00005.
gnomAD v4.1: 58 of 1,614,000 alleles (0.0036%); highest among the groups gnomAD compares: Non-Finnish European, 0.0032%; no homozygotes.

Submissions (3):

Labcorp Genetics (formerly Invitae), Labcorp
Classification: Uncertain significance for Familial focal epilepsy with variable foci. Last evaluated: 2025-11-02. Review status: criteria provided, single submitter. Criteria: Invitae Variant Classification Sherloc (09022015). Collection method: clinical testing. Allele origin: germline.
Comment: This sequence change falls in intron 15 of the DEPDC5 gene. It does not directly change the encoded amino acid sequence of the DEPDC5 protein. It affects a nucleotide within the consensus splice site. This variant is present in population databases (rs780547994, gnomAD 0.03%). This variant has not been reported in the literature in individuals affected with DEPDC5-related conditions. ClinVar contains an entry for this variant (Variation ID: 849478). Variants that disrupt the consensus splice site are a relatively common cause of aberrant splicing (PMID: 17576681, 9536098). Algorithms developed to predict the effect of sequence changes on RNA splicing suggest that this variant is not likely to affect RNA splicing. In summary, the available evidence is currently insufficient to determine the role of this variant in disease. Therefore, it has been classified as a Variant of Uncertain Significance.

CeGaT Center for Human Genetics Tuebingen
Classification: Likely benign. Last evaluated: 2022-08-01. Review status: criteria provided, single submitter. Criteria: CeGaT Center For Human Genetics Tuebingen Variant Classification Criteria Version 2. Collection method: clinical testing. Allele origin: germline. Affected: yes. Observed: 1 variant allele.
Comment: DEPDC5: BP4

Cambridge Genomics Laboratory, East Genomic Laboratory Hub, NHS Genomic Medicine Service
Classification: Benign for Intellectual disability. Last evaluated: 2020-06-06. Review status: criteria provided, single submitter. Criteria: ACGS Best Practice Guidelines for Variant Classification in Rare Disease 2020. Collection method: clinical testing. Allele origin: germline. Affected: yes. Observed: 1 variant allele.

Literature cited by the submitters: PubMed 17576681 (cited by Labcorp Genetics (formerly Invitae), Labcorp); PubMed 9536098 (cited by Labcorp Genetics (formerly Invitae), Labcorp).